The following is an entry in ClinVar:

ClinVar aggregate classification (germline): Likely pathogenic. Review status: reviewed by expert panel (3 of 4 stars). 11 submissions from 11 submitters: Likely pathogenic (1). 10 of the submissions do not count toward it. Last evaluated 2026-06-23.

Conditions:
GALT-related disorder. Also called: GALT-related condition.
Galactosemia. Also called: Galactose intolerance. Identifiers: Orphanet 352, MedGen C0016952, MONDO:0018116, HP:0004919. Disease mechanism: loss of function.
Deficiency of UDPglucose-hexose-1-phosphate uridylyltransferase. Also called: Transferase Deficiency Galactosemia; GALACTOSE-1-PHOSPHATE URIDYLYLTRANSFERASE DEFICIENCY; GALACTOSEMIA I; GALT deficiency; Galactosemia, classic. Identifiers: Orphanet 352, Orphanet 79239, MedGen C0268151, MONDO:0009258, OMIM 230400.

Allele frequency attached by ClinVar (database versions not stated): TOPMed below 0.00001; gnomAD 0.00001; gnomAD exomes 0.00001.
gnomAD v4.1: 23 of 1,614,078 alleles (0.0014%); highest among the groups gnomAD compares: South Asian, 0.0022%; no homozygotes.

Submissions (11):

Clingen Galactosemia Variant Curation Expert Panel, ClinGen
Classification: Likely pathogenic for Galactosemia. Last evaluated: 2026-06-23. Review status: reviewed by expert panel. Criteria: ClinGen Galactosemia ACMG Specifications GALT V1.1. Collection method: curation. Allele origin: germline. Inheritance: Autosomal recessive inheritance.
Comment: The c.607G>A variant in GALT is a missense variant predicted to cause substitution of glutamic acid by lysine at amino acid 203 (p.Glu203Lys). The patient carried the variant with the Duarte variant (N314D) in cis and was compound heterozygous with a pathogenic variant (c.329-2A>C, also known as IVSC), which was confirmed in trans by family testing (PM3, PMID: 7887416). The patient with this variant displayed severe GALT deficiency with 0.6umol/g Hb/h (normal range = 17-45), which is highly specific for galactosemia (PP4_Moderate, PMID: 7887416). The filtering allele frequency of the c.607G>A variant in GALT is 0.000009530 for European (non-Finnish) chromosomes by gnomAD v4.1.0, which is lower than the ClinGen Galactosemia threshold (≤0.0005) for PM2_Supporting, and therefore meets this criterion (PM2_Supporting). The computational predictor REVEL gives a score of 0.767, which is above the threshold of 0.7, predicting a damaging impact on GALT function (PP3). In summary, this variant meets the criteria to be classified as likely pathogenic for galactosemia based on the ACMG/AMP criteria applied, as specified by the ClinGen Galactosemia VCEP: PP4_Moderate, PM3, PP3, PM2_Supporting (GALT specifications v1.0.0).

PreventionGenetics, part of Exact Sciences
Classification: Likely pathogenic for GALT-related condition. Last evaluated: 2025-12-22. Review status: criteria provided, single submitter. Criteria: ACMG Guidelines, 2015. Collection method: clinical testing. Allele origin: germline. Not counted in ClinVar's aggregate classification.
Comment: The GALT c.607G>A variant is predicted to result in the amino acid substitution p.Glu203Lys. This variant has been reported in individuals with galactosemia, including in the compound heterozygous state (Elsas et al. 1995. PubMed ID: 7887416; Yuzyuk et al. 2018. PubMed ID: 29350350; Hagen-Lillevik et al. 2021. PubMed ID: 35118398). Based on analysis of the human GALT crystal structure, the p.GLu203Lys substitution is predicted to lead to removal of the H-bond with His315 and Trip316 and result in misfolding (Supplementary Table 2, McCorvie et al. 2016. PubMed ID: 27005423). This variant is reported in 0.0028% of alleles in individuals of Latino descent in gnomAD. This variant is interpreted as likely pathogenic.

Myriad Genetics, Inc.
Classification: Uncertain significance for Deficiency of UDPglucose-hexose-1-phosphate uridylyltransferase. Last evaluated: 2025-09-26. Review status: criteria provided, single submitter. Criteria: Myriad Autosomal Dominant, Autosomal Recessive and X-Linked Classification Criteria (2023). Collection method: clinical testing. Allele origin: unknown. Not counted in ClinVar's aggregate classification.
Comment: NM_000155.3(GALT):c.607G>A(E203K) is a missense variant classified as a variant of uncertain significance in the context of galactosemia. E203K has been observed in cases with relevant disease (PMID: 7887416, 29350350, 34570182). Relevant functional assessments of this variant are available in the literature (PMID: 9450900). E203K has been observed in referenced population frequency databases. In summary, there is insufficient evidence to classify NM_000155.3(GALT):c.607G>A(E203K) as pathogenic or benign. Please note: this variant was assessed in the context of healthy population screening.

Labcorp Genetics (formerly Invitae), Labcorp
Classification: Pathogenic for Deficiency of UDPglucose-hexose-1-phosphate uridylyltransferase. Last evaluated: 2025-06-27. Review status: criteria provided, single submitter. Criteria: Invitae Variant Classification Sherloc (09022015). Collection method: clinical testing. Allele origin: germline. Not counted in ClinVar's aggregate classification.
Comment: This sequence change replaces glutamic acid, which is acidic and polar, with lysine, which is basic and polar, at codon 203 of the GALT protein (p.Glu203Lys). This variant is present in population databases (rs111033736, gnomAD 0.003%). This missense change has been observed in individual(s) with galactosemia (PMID: 7887416). In at least one individual the data is consistent with being in trans (on the opposite chromosome) from a pathogenic variant. ClinVar contains an entry for this variant (Variation ID: 3622). Invitae Evidence Modeling of protein sequence and biophysical properties (such as structural, functional, and spatial information, amino acid conservation, physicochemical variation, residue mobility, and thermodynamic stability) indicates that this missense variant is expected to disrupt GALT protein function with a positive predictive value of 95%. For these reasons, this variant has been classified as Pathogenic.

Mayo Clinic Laboratories, Mayo Clinic
Classification: Likely pathogenic. Last evaluated: 2024-09-23. Review status: criteria provided, single submitter. Criteria: ACMG Guidelines, 2015. Collection method: clinical testing. Allele origin: germline. Observed: 1 variant allele. Not counted in ClinVar's aggregate classification.
Comment: PP3, PP4, PM2, PM3_strong

Fulgent Genetics
Classification: Likely pathogenic for Deficiency of UDPglucose-hexose-1-phosphate uridylyltransferase. Last evaluated: 2024-03-14. Review status: criteria provided, single submitter. Criteria: ACMG Guidelines, 2015. Collection method: clinical testing. Allele origin: germline. Not counted in ClinVar's aggregate classification.

Eurofins Ntd Llc (ga)
Classification: Pathogenic. Last evaluated: 2018-09-17. Review status: criteria provided, single submitter. Criteria: EGL ClinVar v180209 classification definitions. Collection method: clinical testing. Allele origin: germline. Observed: 1 variant allele, 1 heterozygote. Not counted in ClinVar's aggregate classification.

Baylor Genetics
Classification: Uncertain significance for Deficiency of UDPglucose-hexose-1-phosphate uridylyltransferase. Review status: criteria provided, single submitter. Criteria: ACMG Guidelines, 2015. Collection method: clinical testing. Allele origin: unknown. Not counted in ClinVar's aggregate classification.

Natera, Inc.
Classification: Uncertain significance for Galactosemia. Last evaluated: 2020-09-16. Review status: no assertion criteria provided. Collection method: clinical testing. Allele origin: germline. Not counted in ClinVar's aggregate classification.

Counsyl
Classification: Uncertain significance for Deficiency of UDPglucose-hexose-1-phosphate uridylyltransferase. Last evaluated: 2017-06-20. Review status: no assertion criteria provided. Collection method: clinical testing. Allele origin: unknown. Not counted in ClinVar's aggregate classification.

OMIM
Classification: Pathogenic for GALACTOSEMIA I. Last evaluated: 2001-04-01. Review status: no assertion criteria provided. Collection method: literature only. Allele origin: germline. Not counted in ClinVar's aggregate classification.

Literature cited by the submitters: PubMed 29350350 (cited by Myriad Genetics, Inc.); PubMed 34570182 (cited by Myriad Genetics, Inc.); PubMed 7887416 (cited by 4 submitters); PubMed 9450900 (cited by 3 submitters); PubMed 11261429 (cited by Mayo Clinic Laboratories, Mayo Clinic); PubMed 11754113 (cited by Mayo Clinic Laboratories, Mayo Clinic); PubMed 12595586 (cited by Mayo Clinic Laboratories, Mayo Clinic); PubMed 20008339 (cited by Mayo Clinic Laboratories, Mayo Clinic); PubMed 27005423 (cited by Mayo Clinic Laboratories, Mayo Clinic and Counsyl); PubMed 35118398 (cited by Mayo Clinic Laboratories, Mayo Clinic); PubMed 7573066 (cited by Counsyl); PubMed 11286503 (cited by OMIM).

NM_000155.4(GALT):c.607G>A (p.Glu203Lys)

Gene: GALT (galactose-1-phosphate uridylyltransferase; plus strand). Cytogenetic location: 9p13.3.
Variant type: single nucleotide variant.
Coding change: c.607G>A on transcript NM_000155.4 (MANE Select); coding-DNA position 607, G replaced by A.
Protein change: p.Glu203Lys; replaces glutamic acid 203 with lysine.
Molecular consequence: missense variant.
Genome position (GRCh38, 1-based): chr9:34,648,376, G>A. VCF-style: chr9-34648376-G-A. GRCh37 (hg19) VCF-style: chr9-34648373-G-A.
Other names: NM_000155.4(GALT):c.607G>A; c.280G>A, p.Glu94Lys (NM_001258332.2); short protein forms E203K, E94K.
Identifiers: ClinVar variation 3622 (VCV000003622.25), dbSNP rs111033736, ClinGen allele CA340108.